The following is an entry in ClinVar:

ClinVar aggregate classification (germline): Likely benign (1 of 4 stars; one submission).

Conditions:
Fanconi anemia complementation group P. Also called: SLX4-Related Fanconi Anemia. Identifiers: Orphanet 84, MedGen C3469542, MONDO:0013499, OMIM 613951.

Allele frequency attached by ClinVar (database versions not stated): 1000 Genomes Project 0.00060; 1000 Genomes Project 30x 0.00062; gnomAD 0.00180 and 0.00205; TOPMed 0.00197; gnomAD exomes 0.00204.
gnomAD v4.1: 477 of 232,962 alleles (0.2%); highest among the groups gnomAD compares: Non-Finnish European, 0.32%; no homozygotes.

Submission:

Illumina Laboratory Services, Illumina
Classification: Likely benign for Fanconi anemia complementation group P. Last evaluated: 2018-01-12. Review status: criteria provided, single submitter. Criteria: ICSL Variant Classification Criteria 13 December 2019. Collection method: clinical testing. Allele origin: germline.
Comment: This variant was observed in the ICSL laboratory as part of a predisposition screen in an ostensibly healthy population. It had not been previously curated by ICSL or reported in the Human Gene Mutation Database (HGMD: prior to June 1st, 2018), and was therefore a candidate for classification through an automated scoring system. Utilizing variant allele frequency, disease prevalence and penetrance estimates, and inheritance mode, an automated score was calculated to assess if this variant is too frequent to cause the disease. Based on the score and internal cut-off values, a variant classified as likely benign is not then subjected to further curation. The score for this variant resulted in a classification of likely benign for this disease.

NM_032444.4(SLX4):c.-381A>G

Gene: SLX4 (SLX4 structure-specific endonuclease subunit; minus strand). Cytogenetic location: 16p13.3.
Variant type: single nucleotide variant.
Coding change: c.-381A>G on transcript NM_032444.4 (MANE Select); 381 bases upstream of the start codon, A replaced by G.
Molecular consequence: 5 prime UTR variant.
Genome position (GRCh38, 1-based): chr16:3,609,345, T>C on the plus strand (A>G on the coding strand, the complement: SLX4 is on the minus strand). VCF-style: chr16-3609345-T-C. GRCh37 (hg19) VCF-style: chr16-3659346-T-C.
Other names: c.-381A>G (LRG_503t1).
Identifiers: ClinVar variation 319201 (VCV000319201.5), dbSNP rs375326827, ClinGen allele CA10648371.